The following is an entry in ClinVar:

NM_001376.5(DYNC1H1):c.11494T>A (p.Phe3832Ile)

Gene: DYNC1H1 (dynein cytoplasmic 1 heavy chain 1; plus strand). Cytogenetic location: 14q32.31.
Variant type: single nucleotide variant.
Coding change: c.11494T>A on transcript NM_001376.5 (MANE Select); coding-DNA position 11494, T replaced by A.
Protein change: p.Phe3832Ile; replaces phenylalanine 3832 with isoleucine.
Molecular consequence: missense variant.
Genome position (GRCh38, 1-based): chr14:102,039,445, T>A. VCF-style: chr14-102039445-T-A. GRCh37 (hg19) VCF-style: chr14-102505782-T-A.
Other names: short protein forms F3832I.
Identifiers: ClinVar variation 1306602 (VCV001306602.2), dbSNP rs2152595138, ClinGen allele CA391034455.

ClinVar aggregate classification (germline): Uncertain significance (1 of 4 stars; one submission).

Submission:

GeneDx
Classification: Uncertain significance. Last evaluated: 2019-06-24. Review status: criteria provided, single submitter. Criteria: GeneDx Variant Classification Process June 2021. Collection method: clinical testing. Allele origin: germline. Affected: yes.
Comment: Not observed in large population cohorts (Lek et al., 2016); In silico analysis, which includes protein predictors and evolutionary conservation, supports a deleterious effect; Has not been previously published as pathogenic or benign to our knowledge